The following is an entry in ClinVar:

NM_001127222.2(CACNA1A):c.1767T>G (p.Ile589Met)

Gene: CACNA1A (calcium voltage-gated channel subunit alpha1 A; minus strand). Cytogenetic location: 19p13.13.
Variant type: single nucleotide variant.
Coding change: c.1767T>G on transcript NM_001127222.2 (MANE Select); coding-DNA position 1767, T replaced by G.
Protein change: p.Ile589Met; replaces isoleucine 589 with methionine.
Molecular consequence: missense variant.
Genome position (GRCh38, 1-based): chr19:13,308,430, A>C on the plus strand (T>G on the coding strand, the complement: CACNA1A is on the minus strand). VCF-style: chr19-13308430-A-C. GRCh37 (hg19) VCF-style: chr19-13419244-A-C.
Other names: c.1770T>G, p.Ile590Met (NM_000068.4, NM_001127221.2, NM_001174080.2 and 1 more transcripts); short protein forms I589M, I590M.
Identifiers: ClinVar variation 3236353 (VCV003236353.1), dbSNP rs1165125260, ClinGen allele CA404345045.

ClinVar aggregate classification (germline): Uncertain significance (1 of 4 stars; one submission).

Conditions:
Developmental and epileptic encephalopathy, 42 (DEE42A). Also called: DEVELOPMENTAL AND EPILEPTIC ENCEPHALOPATHY 42A; EPILEPTIC ENCEPHALOPATHY, EARLY INFANTILE, 42A; Epileptic encephalopathy, early infantile, 42. Identifiers: MedGen C4310716, MONDO:0014917, OMIM 617106.

Allele frequency attached by ClinVar (database versions not stated): gnomAD exomes below 0.00001; TOPMed below 0.00001.
gnomAD v4.1: 1 of 1,612,760 alleles (0.000062%); highest among the groups gnomAD compares: Non-Finnish European, 0.000085%; no homozygotes.

Submission:

MVZ Medizinische Genetik Mainz
Classification: Uncertain significance for Developmental and epileptic encephalopathy, 42. Last evaluated: 2023-10-19. Review status: criteria provided, single submitter. Criteria: UK Practice Guidelines For Variant Classification V4 01 2020. Collection method: clinical testing. Allele origin: germline. Inheritance: Autosomal dominant inheritance. Affected: yes. Observed: 1 variant allele.
Comment: ACMG Criteria: PP3_MOD,PM2_SUP,PP2